The following is an entry in ClinVar:

NM_000088.4(COL1A1):c.1984-43G>C

Gene: COL1A1 (collagen type I alpha 1 chain; minus strand). Cytogenetic location: 17q21.33.
Variant type: single nucleotide variant.
Coding change: c.1984-43G>C on transcript NM_000088.4 (MANE Select); 43 bases into the intron before coding-DNA position 1984, G replaced by C.
Molecular consequence: intron variant.
Genome position (GRCh38, 1-based): chr17:50,192,067, C>G on the plus strand (G>C on the coding strand, the complement: COL1A1 is on the minus strand). VCF-style: chr17-50192067-C-G. GRCh37 (hg19) VCF-style: chr17-48269428-C-G.
Identifiers: ClinVar variation 679030 (VCV000679030.2), dbSNP rs117746137, ClinGen allele CA8644983.

ClinVar aggregate classification (germline): Benign. Review status: criteria provided, multiple submitters, no conflicts (2 of 4 stars). 2 submissions from 2 submitters: Benign (2). Last evaluated 2018-06-14.

Allele frequency attached by ClinVar (database versions not stated): gnomAD exomes 0.00715 and 0.02196; ESP Exome Variant Server 0.00846; gnomAD 0.01323 and 0.01529; TOPMed 0.01840; ExAC 0.02109; 1000 Genomes Project 30x 0.04279; 1000 Genomes Project 0.04593.
gnomAD v4.1: 12,982 of 1,596,298 alleles (0.81%); highest among the groups gnomAD compares: East Asian, 11%; 523 homozygotes.

Submissions (2):

GeneDx
Classification: Benign. Last evaluated: 2018-06-14. Review status: criteria provided, single submitter. Criteria: GeneDx Variant Classification (06012015). Collection method: clinical testing. Allele origin: germline. Affected: yes.
Comment: This variant is considered likely benign or benign based on one or more of the following criteria: it is a conservative change, it occurs at a poorly conserved position in the protein, it is predicted to be benign by multiple in silico algorithms, and/or has population frequency not consistent with disease.

Breakthrough Genomics
Classification: Benign. Review status: criteria provided, single submitter. Criteria: ACMG Guidelines, 2015. Collection method: not provided. Allele origin: germline. Inheritance: Autosomal dominant inheritance. Affected: yes.